The following is an entry in ClinVar:

NM_002637.4(PHKA1):c.184C>T (p.Arg62Trp)

Gene: PHKA1 (phosphorylase kinase regulatory subunit alpha 1; minus strand). Cytogenetic location: Xq13.1.
Variant type: single nucleotide variant.
Coding change: c.184C>T on transcript NM_002637.4 (MANE Select); coding-DNA position 184, C replaced by T.
Protein change: p.Arg62Trp; replaces arginine 62 with tryptophan.
Molecular consequence: missense variant.
Genome position (GRCh38, 1-based): chrX:72,712,832, G>A on the plus strand (C>T on the coding strand, the complement: PHKA1 is on the minus strand). VCF-style: chrX-72712832-G-A. GRCh37 (hg19) VCF-style: chrX-71932674-G-A.
Other names: c.184C>T, p.Arg62Trp (NM_001122670.2, NM_001172436.2); c.184C>T (NM_002637.3); short protein forms R62W.
Identifiers: ClinVar variation 1413321 (VCV001413321.9), dbSNP rs781996165, ClinGen allele CA10451096.

ClinVar aggregate classification (germline): Uncertain significance. Review status: criteria provided, multiple submitters, no conflicts (2 of 4 stars). 2 submissions from 2 submitters: Uncertain significance (2). Last evaluated 2025-02-22.

Conditions:
Glycogen storage disease IXd (GSD9D). Also called: GSD IXd; Muscle Phosphorylase Kinase Deficiency. Identifiers: Orphanet 715, MedGen C1845151, MONDO:0010362, OMIM 300559.
Inborn genetic diseases. Identifiers: MedGen C0950123, MeSH D030342.

Allele frequency attached by ClinVar (database versions not stated): ExAC 0.00001; gnomAD exomes 0.00002; TOPMed 0.00004.

Submissions (2):

Ambry Genetics
Classification: Uncertain significance for Inborn genetic diseases. Last evaluated: 2025-02-22. Review status: criteria provided, single submitter. Criteria: Ambry Variant Classification Scheme 2023. Collection method: clinical testing. Allele origin: germline.

Labcorp Genetics (formerly Invitae), Labcorp
Classification: Uncertain significance for Glycogen storage disease IXd. Last evaluated: 2023-12-27. Review status: criteria provided, single submitter. Criteria: Invitae Variant Classification Sherloc (09022015). Collection method: clinical testing. Allele origin: germline.
Comment: This sequence change replaces arginine, which is basic and polar, with tryptophan, which is neutral and slightly polar, at codon 62 of the PHKA1 protein (p.Arg62Trp). This variant is present in population databases (rs781996165, gnomAD 0.005%). This variant has not been reported in the literature in individuals affected with PHKA1-related conditions. ClinVar contains an entry for this variant (Variation ID: 1413321). Advanced modeling of protein sequence and biophysical properties (such as structural, functional, and spatial information, amino acid conservation, physicochemical variation, residue mobility, and thermodynamic stability) performed at Invitae indicates that this missense variant is expected to disrupt PHKA1 protein function with a positive predictive value of 80%. In summary, the available evidence is currently insufficient to determine the role of this variant in disease. Therefore, it has been classified as a Variant of Uncertain Significance.